The following is an entry in ClinVar:

NM_020184.4(CNNM4):c.1115C>A (p.Thr372Asn)

Gene: CNNM4 (cyclin and CBS domain divalent metal cation transport mediator 4; plus strand). Cytogenetic location: 2q11.2.
Variant type: single nucleotide variant.
Coding change: c.1115C>A on transcript NM_020184.4 (MANE Select); coding-DNA position 1115, C replaced by A.
Protein change: p.Thr372Asn; replaces threonine 372 with asparagine.
Molecular consequence: missense variant.
Genome position (GRCh38, 1-based): chr2:96,762,114, C>A. VCF-style: chr2-96762114-C-A. GRCh37 (hg19) VCF-style: chr2-97427851-C-A.
Other names: short protein forms T372N.
Identifiers: ClinVar variation 858643 (VCV000858643.11), dbSNP rs1272462209, ClinGen allele CA347716386.

ClinVar aggregate classification (germline): Uncertain significance (1 of 4 stars; one submission).

Allele frequency attached by ClinVar (database versions not stated): gnomAD exomes below 0.00001.
gnomAD v4.1: 5 of 1,614,074 alleles (0.00031%); highest among the groups gnomAD compares: Non-Finnish European, 0.00034%; no homozygotes.

Submission:

Labcorp Genetics (formerly Invitae), Labcorp
Classification: Uncertain significance. Last evaluated: 2022-03-10. Review status: criteria provided, single submitter. Criteria: Invitae Variant Classification Sherloc (09022015). Collection method: clinical testing. Allele origin: germline.
Comment: ClinVar contains an entry for this variant (Variation ID: 858643). Algorithms developed to predict the effect of missense changes on protein structure and function are either unavailable or do not agree on the potential impact of this missense change (SIFT: "Tolerated"; PolyPhen-2: "Possibly Damaging"; Align-GVGD: "Class C0"). In summary, the available evidence is currently insufficient to determine the role of this variant in disease. Therefore, it has been classified as a Variant of Uncertain Significance. This variant has not been reported in the literature in individuals affected with CNNM4-related conditions. This sequence change replaces threonine, which is neutral and polar, with asparagine, which is neutral and polar, at codon 372 of the CNNM4 protein (p.Thr372Asn). This variant is present in population databases (no rsID available, gnomAD 0.0009%).